The following is an entry in ClinVar:

NM_002303.6(LEPR):c.2674-5914G>C

Gene: LEPR (leptin receptor; plus strand). Cytogenetic location: 1p31.3.
Variant type: single nucleotide variant.
Coding change: c.2674-5914G>C on transcript NM_002303.6 (MANE Select); 5914 bases into the intron before coding-DNA position 2674, G replaced by C.
Molecular consequence: intron variant. On other transcripts: missense variant (2).
Genome position (GRCh38, 1-based): chr1:65,630,277, G>C. VCF-style: chr1-65630277-G-C. GRCh37 (hg19) VCF-style: chr1-66095960-G-C.
Other names: c.2749G>C, p.Gly917Arg (NM_001003680.3, NM_001198687.2); c.2674-2875G>C (NM_001003679.3, NM_001198689.2); short protein forms G917R.
Identifiers: ClinVar variation 4985594 (VCV004985594.1).
Genomic context (GRCh38, chr1:65,630,277, plus strand): 5'-ATGTTCGTTAAGAGTCATCACCACTCCCTAATCTCAAGTACCCAGGGACACAAACACTGC[G>C]GAAGGCCACAGGGTCCTCTGCATAGGAAAACCAGAGACCTTTGTTCACTTGTTTATCTGC-3'

ClinVar aggregate classification (germline): Uncertain significance (1 of 4 stars; one submission).

Conditions:
LEPR-related disorder. Also called: LEPR-related disorders; LEPR-related condition.

Submission:

PreventionGenetics, part of Exact Sciences
Classification: Uncertain significance for LEPR-related condition. Last evaluated: 2025-03-07. Review status: criteria provided, single submitter. Criteria: ACMG Guidelines, 2015. Collection method: clinical testing. Allele origin: germline.
Comment: The LEPR c.2749G>C variant is predicted to result in the amino acid substitution p.Gly917Arg. In the more commonly reported transcript (NM_002303.5) this variant is intronic (c.2674-5914G>C) and is not predicted to alter splicing (SpliceAI, Jaganathan et al. 2019. PubMed ID: 30661751). To our knowledge, this variant has not been reported in the literature or in a large population database (gnomAD), indicating this variant is rare. At this time, the clinical significance of this variant is uncertain due to the absence of conclusive functional and genetic evidence.